The following is an entry in ClinVar:

ClinVar aggregate classification (germline): Likely pathogenic. Review status: criteria provided, multiple submitters, no conflicts (2 of 4 stars). 3 submissions from 3 submitters: Likely pathogenic (3). Last evaluated 2026-05-22.

Conditions:
Deafness-encephaloneuropathy-obesity-valvulopathy syndrome. Identifiers: Orphanet 254898, MedGen C3553354, MONDO:0013837, OMIM 614651.

Allele frequency attached by ClinVar (database versions not stated): gnomAD 0.00001; gnomAD exomes 0.00002; TOPMed 0.00002.
gnomAD v4.1: 30 of 1,297,064 alleles (0.0023%); highest among the groups gnomAD compares: Non-Finnish European, 0.0027%; no homozygotes.

Submissions (3):

Victorian Clinical Genetics Services, Murdoch Childrens Research Institute
Classification: Likely pathogenic for Deafness-encephaloneuropathy-obesity-valvulopathy syndrome. Last evaluated: 2026-05-22. Review status: criteria provided, single submitter. Criteria: ACMG Guidelines, 2015. Collection method: clinical testing. Allele origin: germline. Affected: yes.
Comment: This variant is classified as Likely pathogenic. Evidence in support of pathogenic classification: Variant is predicted to result in a truncated protein (premature termination codon is located within the first 102 nucleotides of the coding sequence and is predicted to escape nonsense-mediated decay); Variant is present in gnomAD (v4) <0.01 for a recessive condition (30 heterozygotes, 0 homozygotes); This variant has limited previous evidence of pathogenicity in unrelated individuals. This variant has been classified as likely pathogenic by a clinical laboratory in ClinVar and has also been reported in an individual, along with a second variant in PDSS1, who has retinal dystrophy and hearing impairment (PMID: 36266294). Additional information: This gene is associated with autosomal recessive disease; No published segregation evidence has been identified for this variant; No published functional evidence has been identified for this variant; No comparable premature termination codon variants have previous evidence for pathogenicity; Loss of function is a known mechanism of disease in this gene and is associated with primary coenzyme Q10 deficiency (MIM#614651).

Variantyx, Inc.
Classification: Likely pathogenic for Deafness-encephaloneuropathy-obesity-valvulopathy syndrome. Last evaluated: 2026-01-08. Review status: criteria provided, single submitter. Criteria: Variantyx Assertion Criteria 2022. Collection method: clinical testing. Allele origin: germline. Inheritance: Autosomal recessive inheritance. Affected: no.
Comment: This is a nonsense variant in the PDSS1 gene (OMIM: 607429). Pathogenic variants in this gene have been associated with autosomal recessive primary coenzyme Q10 deficiency 2. This variant introduces a premature termination codon in exon 1 out of 12 and is expected to result in loss of function, which is a known disease mechanism for PDSS1 in this disorder (PMID: 20889762, 17332895, 36266294) (PVS1). This variant has a 0.0027% maximum allele frequency in non-founder control populations (PM2). Based on the current evidence, this variant is classified as likely pathogenic for autosomal recessive primary coenzyme Q10 deficiency 2.

GeneDx
Classification: Likely pathogenic. Last evaluated: 2024-12-31. Review status: criteria provided, single submitter. Criteria: GeneDx Variant Classification Process June 2021. Collection method: clinical testing. Allele origin: germline. Affected: yes.
Comment: Nonsense variant predicted to result in protein truncation or nonsense mediated decay in a gene for which loss of function is a known mechanism of disease; Not observed at significant frequency in large population cohorts (gnomAD); Reported in an individual with hearing impairment and retinitis pigmentosa who also had a second variant identified in the PDSS1 gene (PMID: 36266294); This variant is associated with the following publications: (PMID: 36266294)

Literature cited by the submitters: PubMed 36266294 (cited by Victorian Clinical Genetics Services, Murdoch Childrens Research Institute and Variantyx, Inc.); PubMed 20889762 (cited by Variantyx, Inc.); PubMed 17332895 (cited by Variantyx, Inc.).

NM_014317.5(PDSS1):c.18G>A (p.Trp6Ter)

Gene: PDSS1 (decaprenyl diphosphate synthase subunit 1; plus strand). Cytogenetic location: 10p12.1.
Variant type: single nucleotide variant.
Coding change: c.18G>A on transcript NM_014317.5 (MANE Select); coding-DNA position 18, G replaced by A.
Protein change: p.Trp6Ter; replaces tryptophan 6 with a stop codon.
Molecular consequence: nonsense. On other transcripts: 5 prime UTR variant (1).
Genome position (GRCh38, 1-based): chr10:26,697,729, G>A. VCF-style: chr10-26697729-G-A. GRCh37 (hg19) VCF-style: chr10-26986658-G-A.
Other names: c.18G>A (NM_014317.4); c.18G>A, p.Trp6Ter (NM_001321978.2); c.-576G>A (NM_001321979.2); short protein forms W6*.
Identifiers: ClinVar variation 1878854 (VCV001878854.7), dbSNP rs1232289653, ClinGen allele CA376488803.